The following is an entry in ClinVar:

NM_007078.3(LDB3):c.1689G>T (p.Leu563=)

Gene: LDB3 (LIM domain binding 3; plus strand). Cytogenetic location: 10q23.2.
Variant type: single nucleotide variant.
Coding change: c.1689G>T on transcript NM_007078.3 (MANE Select); coding-DNA position 1689, G replaced by T.
Protein change: p.Leu563=; no amino-acid change (leucine 563 retained).
Molecular consequence: synonymous variant.
Genome position (GRCh38, 1-based): chr10:86,717,976, G>T. VCF-style: chr10-86717976-G-T. GRCh37 (hg19) VCF-style: chr10-88477733-G-T.
Other names: c.1359G>T, p.Leu453= (NM_001080114.2); c.1704G>T, p.Leu568= (NM_001171610.2); c.1500G>T, p.Leu500= (NM_001368064.1, NM_001368065.1); c.1548G>T, p.Leu516= (NM_001368066.1).
Identifiers: ClinVar variation 2856200 (VCV002856200.3), dbSNP rs2492815676, ClinGen allele CA470308592.
Genomic context (GRCh38, chr10:86,717,976, plus strand): 5'-CCAAGTTCTGGGAGCTGCCTTACTGGGTGCCATTCTGTGCTTCCCCAGGGGCCCATTTCT[G>T]GTAGCCATGGGCCGTTCTTGGCACCCTGAAGAGTTCACCTGTGCCTACTGCAAGACTTCC-3'
Protein context (NP_009009.1, residues 553-573): HCNNVIRGPF[Leu563=]VAMGRSWHPE

ClinVar aggregate classification (germline): Uncertain significance (1 of 4 stars; one submission).

Conditions:
Myofibrillar myopathy 4. Also called: Zaspopathy (type). Identifiers: Orphanet 98912, MedGen C4721886, MONDO:0012277, OMIM 609452.

Submission:

Labcorp Genetics (formerly Invitae), Labcorp
Classification: Uncertain significance for Myofibrillar myopathy 4. Last evaluated: 2023-08-14. Review status: criteria provided, single submitter. Criteria: Invitae Variant Classification Sherloc (09022015). Collection method: clinical testing. Allele origin: germline.
Comment: This variant has not been reported in the literature in individuals affected with LDB3-related conditions. In summary, the available evidence is currently insufficient to determine the role of this variant in disease. Therefore, it has been classified as a Variant of Uncertain Significance. This variant is not present in population databases (gnomAD no frequency). The LDB3 gene has multiple clinically relevant transcripts. This variant occurs in alternate transcript NM_007078.3, and corresponds to NM_001080116.1:c.*18602G>T in the primary transcript. This sequence change affects codon 563 of the LDB3 mRNA. It is a 'silent' change, meaning that it does not change the encoded amino acid sequence of the LDB3 protein.